The following is an entry in ClinVar:

NM_015021.3(ZNF292):c.3544G>C (p.Ala1182Pro)

Gene: ZNF292 (zinc finger protein 292; plus strand). Cytogenetic location: 6q14.3.
Variant type: single nucleotide variant.
Coding change: c.3544G>C on transcript NM_015021.3 (MANE Select); coding-DNA position 3544, G replaced by C.
Protein change: p.Ala1182Pro; replaces alanine 1182 with proline.
Molecular consequence: missense variant.
Genome position (GRCh38, 1-based): chr6:87,257,173, G>C. VCF-style: chr6-87257173-G-C. GRCh37 (hg19) VCF-style: chr6-87966891-G-C.
Other names: c.3124G>C, p.Ala1042Pro (NM_001351444.2); short protein forms A1042P, A1182P.
Identifiers: ClinVar variation 2630200 (VCV002630200.1), dbSNP rs1775272224, ClinGen allele CA364922699.

ClinVar aggregate classification (germline): Uncertain significance (1 of 4 stars; one submission).

Conditions:
ZNF292-related disorder. Also called: ZNF292-related condition.

Allele frequency attached by ClinVar (database versions not stated): gnomAD 0.00001.

Submission:

PreventionGenetics, part of Exact Sciences
Classification: Uncertain significance for ZNF292-related condition. Last evaluated: 2023-03-07. Review status: criteria provided, single submitter. Criteria: ACMG Guidelines, 2015. Collection method: clinical testing. Allele origin: germline.
Comment: The ZNF292 c.3544G>C variant is predicted to result in the amino acid substitution p.Ala1182Pro. To our knowledge, this variant has not been reported in the literature or in a large population database, indicating this variant is rare. At this time, the clinical significance of this variant is uncertain due to the absence of conclusive functional and genetic evidence.